The following is an entry in ClinVar:

NC_000011.9:g.(?_111779478)_(111782458_?)del

Gene: CRYAB (crystallin alpha B; minus strand). Cytogenetic location: 11q23.1.
Variant type: Deletion.
Identifiers: ClinVar variation 1070020 (VCV001070020.1).

ClinVar aggregate classification (germline): Pathogenic (1 of 4 stars; one submission).

Conditions:
Dilated cardiomyopathy 1II (CMD1II). Identifiers: Orphanet 154, MedGen C3554649, MONDO:0014073, OMIM 615184.

Submission:

Labcorp Genetics (formerly Invitae), Labcorp
Classification: Pathogenic for Dilated cardiomyopathy 1II. Last evaluated: 2020-10-08. Review status: criteria provided, single submitter. Criteria: Invitae Variant Classification Sherloc (09022015). Collection method: clinical testing. Allele origin: germline.
Comment: A gross deletion of the genomic region encompassing the full coding sequence of the CRYAB gene has been identified. The boundaries of this event are unknown as the deletion extends beyond the assayed region for this gene and therefore may encompass additional genes. This variant has not been reported in the literature in individuals with CRYAB-related conditions. Loss-of-function variants in CRYAB are known to be pathogenic (PMID: 21337604). For these reasons, this variant has been classified as Pathogenic.

Literature cited by the submitters: PubMed 21337604.